The following is an entry in ClinVar:

ClinVar aggregate classification (germline): Likely benign (0 of 4 stars; one submission).

Conditions:
CFAP47-related disorder. Also called: CFAP47-related condition.

Allele frequency attached by ClinVar (database versions not stated): 1000 Genomes Project 0.00053; 1000 Genomes Project 30x 0.00083; TOPMed 0.00128; gnomAD 0.00132; ExAC 0.00159; gnomAD exomes 0.00283.
gnomAD v4.1: 2,850 of 1,081,855 alleles (0.26%); highest among the groups gnomAD compares: Non-Finnish European, 0.33%; 6 homozygotes.

Submission:

PreventionGenetics, part of Exact Sciences
Classification: Likely benign for CFAP47-related condition. Last evaluated: 2022-05-15. Review status: no assertion criteria provided. Collection method: clinical testing. Allele origin: germline.
Comment: This variant is classified as likely benign based on ACMG/AMP sequence variant interpretation guidelines (Richards et al. 2015 PMID: 25741868, with internal and published modifications).

NM_001304548.2(CFAP47):c.7622A>G (p.Asn2541Ser)

Gene: CFAP47 (cilia and flagella associated protein 47; plus strand). Cytogenetic location: Xp21.1.
Variant type: single nucleotide variant.
Coding change: c.7622A>G on transcript NM_001304548.2 (MANE Select); coding-DNA position 7622, A replaced by G.
Protein change: p.Asn2541Ser; replaces asparagine 2541 with serine.
Molecular consequence: missense variant.
Genome position (GRCh38, 1-based): chrX:36,285,662, A>G. VCF-style: chrX-36285662-A-G. GRCh37 (hg19) VCF-style: chrX-36303777-A-G.
Other names: short protein forms N2541S.
Identifiers: ClinVar variation 3055249 (VCV003055249.2), dbSNP rs185223464, ClinGen allele CA10382344.